The following is an entry in ClinVar:

NM_000038.6(APC):c.4260C>G (p.Pro1420=)

Gene: APC (APC regulator of Wnt signaling pathway; plus strand). Cytogenetic location: 5q22.2.
Variant type: single nucleotide variant.
Coding change: c.4260C>G on transcript NM_000038.6 (MANE Select); coding-DNA position 4260, C replaced by G.
Protein change: p.Pro1420=; no amino-acid change (proline 1420 retained).
Molecular consequence: synonymous variant. On other transcripts: non-coding transcript variant (2).
Genome position (GRCh38, 1-based): chr5:112,839,854, C>G. VCF-style: chr5-112839854-C-G. GRCh37 (hg19) VCF-style: chr5-112175551-C-G.
Other names: c.4260C>G, p.Pro1420= (NM_001127510.3, NM_001354895.2, NM_001407450.1); c.4206C>G, p.Pro1402= (NM_001127511.3); c.4314C>G, p.Pro1438= (NM_001354896.2, NM_001407447.1, NM_001407448.1 and 1 more transcripts); c.4290C>G, p.Pro1430= (NM_001354897.2); c.4185C>G, p.Pro1395= (NM_001354898.2); c.4176C>G, p.Pro1392= (NM_001354899.2); c.4137C>G, p.Pro1379= (NM_001354900.2); c.4083C>G, p.Pro1361= (NM_001354901.2, NM_001407453.1); and 11 more.
Identifiers: ClinVar variation 3148272 (VCV003148272.1), dbSNP rs770579741, ClinGen allele CA445964256.

ClinVar aggregate classification (germline): Benign (1 of 4 stars; one submission).

Conditions:
Familial adenomatous polyposis 1 (FAP1). Also called: POLYPOSIS, ADENOMATOUS INTESTINAL; FAMILIAL ADENOMATOUS POLYPOSIS 1, ATTENUATED. Identifiers: MedGen C2713442, MONDO:0021056, OMIM 175100. Disease mechanism: loss of function.

Submission:

Myriad Genetics, Inc.
Classification: Benign for Familial adenomatous polyposis 1. Last evaluated: 2024-03-26. Review status: criteria provided, single submitter. Criteria: Myriad Autosomal Dominant, Autosomal Recessive and X-Linked Classification Criteria (2023). Collection method: clinical testing. Allele origin: unknown.
Comment: This variant is considered benign. This variant is a silent/synonymous amino acid change and it is not expected to impact splicing.